The following is an entry in ClinVar:

ClinVar aggregate classification (germline): Pathogenic. Review status: criteria provided, multiple submitters, no conflicts (2 of 4 stars). 2 submissions from 2 submitters: Pathogenic (2). Last evaluated 2026-01-27.

Conditions:
Autosomal recessive limb-girdle muscular dystrophy type 2O. Also called: MUSCULAR DYSTROPHY-DYSTROGLYCANOPATHY (LIMB-GIRDLE), TYPE C, 3; MUSCULAR DYSTROPHY-DYSTROGLYCANOPATHY, LIMB-GIRDLE, POMGNT1-RELATED; Limb-Girdle Muscular Dystrophy Type 3C. Identifiers: Orphanet 206564, MedGen C3150417, MONDO:0013161, OMIM 613157.
Muscular dystrophy-dystroglycanopathy (congenital with impaired intellectual development), type B, 3. Also called: MUSCULAR DYSTROPHY, CONGENITAL, POMGNT1-RELATED; Muscular dystrophy-dystroglycanopathy (congenital with intellectual disability), type B3. Identifiers: MedGen C3150412, MONDO:0013155, OMIM 613151.
Myopathy caused by variation in POMGNT1. Identifiers: MedGen CN305639, MONDO:0700068.

Submissions (2):

Labcorp Genetics (formerly Invitae), Labcorp
Classification: Pathogenic for Autosomal recessive limb-girdle muscular dystrophy type 2O; Muscular dystrophy-dystroglycanopathy (congenital with impaired intellectual development), type B, 3. Last evaluated: 2026-01-27. Review status: criteria provided, single submitter. Criteria: Invitae Variant Classification Sherloc (09022015). Collection method: clinical testing. Allele origin: germline.
Comment: This sequence change creates a premature translational stop signal (p.Asp236Thrfs*5) in the POMGNT1 gene. It is expected to result in an absent or disrupted protein product. Loss-of-function variants in POMGNT1 are known to be pathogenic (PMID: 19299310, 20816175, 21447391, 26908613, 27391550). This variant is present in population databases (rs755972555, gnomAD 0.0009%). This variant has not been reported in the literature in individuals affected with POMGNT1-related conditions. For these reasons, this variant has been classified as Pathogenic.

Myriad Genetics, Inc.
Classification: Pathogenic for Myopathy caused by variation in POMGNT1. Last evaluated: 2025-11-19. Review status: criteria provided, single submitter. Criteria: Myriad Autosomal Dominant, Autosomal Recessive and X-Linked Classification Criteria (2023). Collection method: clinical testing. Allele origin: unknown.
Comment: NM_017739.3(POMGNT1):c.706delG(D236Tfs*5) is expected to be pathogenic in the context of POMGNT1-related disorders. This variant is predicted to lead to an abnormal or absent protein product due to the creation of a premature termination codon in POMGNT1, a gene where loss-of-function variants are known to be pathogenic. Please note: this variant was assessed in the context of healthy population screening.

Literature cited by the submitters: PubMed 19299310 (cited by Labcorp Genetics (formerly Invitae), Labcorp); PubMed 20816175 (cited by Labcorp Genetics (formerly Invitae), Labcorp); PubMed 21447391 (cited by Labcorp Genetics (formerly Invitae), Labcorp); PubMed 26908613 (cited by Labcorp Genetics (formerly Invitae), Labcorp); PubMed 27391550 (cited by Labcorp Genetics (formerly Invitae), Labcorp).

NM_017739.4(POMGNT1):c.706del (p.Asp236fs)

Genes: POMGNT1 (protein O-linked mannose N-acetylglucosaminyltransferase 1 (beta 1,2-); minus strand), TSPAN1 (tetraspanin 1; plus strand). Cytogenetic location: 1p34.1.
Variant type: Deletion.
Coding change: c.706del on transcript NM_017739.4 (MANE Select); coding-DNA position 706, one base deleted (G; older notation c.706delG).
Protein change: p.Asp236fs; shifts the reading frame from aspartic acid 236.
Molecular consequence: frameshift variant.
Genome position (GRCh38, 1-based): chr1:46,194,598, C deleted on the plus strand (G on the coding strand, the reverse complement: POMGNT1 is on the minus strand); the first of 6 consecutive C bases (chr1:46,194,598-46,194,603); deleting any one gives the same sequence. VCF-style (leftmost placement, unchanged base first): chr1-46194597-TC-T. GRCh37 (hg19) VCF-style: chr1-46660269-TC-T.
Other names: c.706del, p.Asp236fs (NM_001243766.2, NM_001410783.1, NM_001437653.1 and 3 more transcripts); c.640del, p.Asp214fs (NM_001290129.3, NM_001438691.1, NM_001438692.1); c.277del, p.Asp93fs (NM_001290130.2); short protein forms D214fs, D236fs, D93fs.
Identifiers: ClinVar variation 4794306 (VCV004794306.2).